The following is an entry in ClinVar:

NM_003072.5(SMARCA4):c.146C>G (p.Pro49Arg)

Gene: SMARCA4 (SWI/SNF related BAF chromatin remodeling complex subunit ATPase 4; plus strand). Cytogenetic location: 19p13.2.
Variant type: single nucleotide variant.
Coding change: c.146C>G on transcript NM_003072.5 (MANE Select); coding-DNA position 146, C replaced by G.
Protein change: p.Pro49Arg; replaces proline 49 with arginine.
Molecular consequence: missense variant. On other transcripts: non-coding transcript variant (1).
Genome position (GRCh38, 1-based): chr19:10,984,297, C>G. VCF-style: chr19-10984297-C-G. GRCh37 (hg19) VCF-style: chr19-11094973-C-G.
Other names: c.146C>G, p.Pro49Arg (NM_001128844.3, NM_001128845.2, NM_001128846.2 and 6 more transcripts); short protein forms P49R.
Identifiers: ClinVar variation 3233070 (VCV003233070.1), dbSNP rs1464033862, ClinGen allele CA404054461.
Genomic context (GRCh38, chr19:10,984,297, plus strand): 5'-GCCCTAGCCCGGGTCCCTCGCCGGGCTCCGCCCACAGCATGATGGGGCCCAGCCCAGGGC[C>G]GCCCTCAGCAGGACACCCCATCCCCACCCAGGGGCCTGGAGGGTACCCTCAGGACAACAT-3'
Protein context (NP_003063.2, residues 39-59): AHSMMGPSPG[Pro49Arg]PSAGHPIPTQ

ClinVar aggregate classification (germline): Uncertain significance (1 of 4 stars; one submission).

Conditions:
Hereditary cancer-predisposing syndrome. Also called: Neoplastic Syndromes, Hereditary; Tumor predisposition; Hereditary neoplastic syndrome; Hereditary Cancer Syndrome. Identifiers: Orphanet 140162, MedGen C0027672, MeSH D009386, MONDO:0015356.

gnomAD v4.1: 1 of 1,608,136 alleles (0.000062%); highest among the groups gnomAD compares: Non-Finnish European, 0.000085%; no homozygotes.

Submission:

Ambry Genetics
Classification: Uncertain significance for Hereditary cancer-predisposing syndrome. Last evaluated: 2024-01-27. Review status: criteria provided, single submitter. Criteria: Ambry Variant Classification Scheme 2023. Collection method: clinical testing. Allele origin: germline.
Comment: The p.P49R variant (also known as c.146C>G), located in coding exon 1 of the SMARCA4 gene, results from a C to G substitution at nucleotide position 146. The proline at codon 49 is replaced by arginine, an amino acid with dissimilar properties. This amino acid position is highly conserved in available vertebrate species. In addition, this alteration is predicted to be deleterious by in silico analysis. Based on the available evidence, the clinical significance of this alteration remains unclear.